The following is an entry in ClinVar:

NM_001080.3(ALDH5A1):c.985A>G (p.Met329Val)

Gene: ALDH5A1 (aldehyde dehydrogenase 5 family member A1; plus strand). Cytogenetic location: 6p22.3.
Variant type: single nucleotide variant.
Coding change: c.985A>G on transcript NM_001080.3 (MANE Select); coding-DNA position 985, A replaced by G.
Protein change: p.Met329Val; replaces methionine 329 with valine.
Molecular consequence: missense variant.
Genome position (GRCh38, 1-based): chr6:24,520,515, A>G. VCF-style: chr6-24520515-A-G. GRCh37 (hg19) VCF-style: chr6-24520743-A-G.
Other names: c.841A>G, p.Met281Val (NM_001368954.1); c.1024A>G, p.Met342Val (NM_170740.1); short protein forms M281V, M329V, M342V.
Identifiers: ClinVar variation 663243 (VCV000663243.12), dbSNP rs1581818516, ClinGen allele CA362974508.

ClinVar aggregate classification (germline): Uncertain significance. Review status: criteria provided, multiple submitters, no conflicts (2 of 4 stars). 3 submissions from 3 submitters: Uncertain significance (3). Last evaluated 2022-10-13.

Conditions:
Inborn genetic diseases. Identifiers: MedGen C0950123, MeSH D030342.
Succinate-semialdehyde dehydrogenase deficiency (SSADHD). Also called: Succinic Semialdehyde Dehydrogenase Deficiency; SSADH DEFICIENCY; 4-HYDROXYBUTYRIC ACIDURIA; GABA METABOLIC DEFECT. Identifiers: Orphanet 22, MedGen C0268631, MONDO:0010083, OMIM 271980.

Allele frequency attached by ClinVar (database versions not stated): gnomAD exomes below 0.00001; TOPMed below 0.00001.
gnomAD v4.1: 1 of 1,614,128 alleles (0.000062%); highest among the groups gnomAD compares: African/African-American, 0.0013%; no homozygotes.

Submissions (3):

Labcorp Genetics (formerly Invitae), Labcorp
Classification: Uncertain significance for Succinate-semialdehyde dehydrogenase deficiency. Last evaluated: 2022-10-13. Review status: criteria provided, single submitter. Criteria: Invitae Variant Classification Sherloc (09022015). Collection method: clinical testing. Allele origin: germline.
Comment: In summary, the available evidence is currently insufficient to determine the role of this variant in disease. Therefore, it has been classified as a Variant of Uncertain Significance. Advanced modeling of protein sequence and biophysical properties (such as structural, functional, and spatial information, amino acid conservation, physicochemical variation, residue mobility, and thermodynamic stability) has been performed at Invitae for this missense variant, however the output from this modeling did not meet the statistical confidence thresholds required to predict the impact of this variant on ALDH5A1 protein function. ClinVar contains an entry for this variant (Variation ID: 663243). This variant has not been reported in the literature in individuals affected with ALDH5A1-related conditions. This variant is not present in population databases (gnomAD no frequency). This sequence change replaces methionine, which is neutral and non-polar, with valine, which is neutral and non-polar, at codon 329 of the ALDH5A1 protein (p.Met329Val).

Ambry Genetics
Classification: Uncertain significance for Inborn genetic diseases. Last evaluated: 2022-01-27. Review status: criteria provided, single submitter. Criteria: Ambry Variant Classification Scheme 2023. Collection method: clinical testing. Allele origin: germline.

Revvity Omics, Revvity
Classification: Uncertain significance for Succinate-semialdehyde dehydrogenase deficiency. Last evaluated: 2019-08-23. Review status: criteria provided, single submitter. Criteria: ACMG Guidelines, 2015. Collection method: clinical testing. Allele origin: germline.